The following is an entry in ClinVar:

ClinVar aggregate classification (germline): Uncertain significance. Review status: criteria provided, multiple submitters, no conflicts (2 of 4 stars). 2 submissions from 2 submitters: Uncertain significance (2). Last evaluated 2024-10-22.

Conditions:
Inborn genetic diseases. Identifiers: MedGen C0950123, MeSH D030342.
Charcot-Marie-Tooth disease dominant intermediate B (CMTDIB). Also called: CHARCOT-MARIE-TOOTH NEUROPATHY, DOMINANT INTERMEDIATE B; Charcot-Marie-Tooth disease dominant intermediate 1; CMT DI1; Charcot-Marie-Tooth disease dominant intermediate I. Identifiers: Orphanet 100044, Orphanet 228179, MedGen C1847902, MONDO:0011674, OMIM 606482.

Allele frequency attached by ClinVar (database versions not stated): TOPMed below 0.00001; gnomAD 0.00001.
gnomAD v4.1: 1 of 1,613,714 alleles (0.000062%); highest among the groups gnomAD compares: Non-Finnish European, 0.000085%; no homozygotes.

Submissions (2):

Labcorp Genetics (formerly Invitae), Labcorp
Classification: Uncertain significance for Charcot-Marie-Tooth disease dominant intermediate B. Last evaluated: 2024-10-22. Review status: criteria provided, single submitter. Criteria: Invitae Variant Classification Sherloc (09022015). Collection method: clinical testing. Allele origin: germline.
Comment: This sequence change replaces methionine, which is neutral and non-polar, with valine, which is neutral and non-polar, at codon 268 of the DNM2 protein (p.Met268Val). This variant is not present in population databases (gnomAD no frequency). This variant has not been reported in the literature in individuals affected with DNM2-related conditions. ClinVar contains an entry for this variant (Variation ID: 1761724). Invitae Evidence Modeling of protein sequence and biophysical properties (such as structural, functional, and spatial information, amino acid conservation, physicochemical variation, residue mobility, and thermodynamic stability) has been performed for this missense variant. However, the output from this modeling did not meet the statistical confidence thresholds required to predict the impact of this variant on DNM2 protein function. In summary, the available evidence is currently insufficient to determine the role of this variant in disease. Therefore, it has been classified as a Variant of Uncertain Significance.

Ambry Genetics
Classification: Uncertain significance for Inborn genetic diseases. Last evaluated: 2020-11-06. Review status: criteria provided, single submitter. Criteria: Ambry Variant Classification Scheme 2023. Collection method: clinical testing. Allele origin: germline.
Comment: The p.M268V variant (also known as c.802A>G), located in coding exon 6 of the DNM2 gene, results from an A to G substitution at nucleotide position 802. The methionine at codon 268 is replaced by valine, an amino acid with highly similar properties. This amino acid position is not well conserved in available vertebrate species. In addition, the in silico prediction for this alteration is inconclusive. Since supporting evidence is limited at this time, the clinical significance of this alteration remains unclear.

NM_001005361.3(DNM2):c.802A>G (p.Met268Val)

Gene: DNM2 (dynamin 2; plus strand). Cytogenetic location: 19p13.2.
Variant type: single nucleotide variant.
Coding change: c.802A>G on transcript NM_001005361.3 (MANE Select); coding-DNA position 802, A replaced by G.
Protein change: p.Met268Val; replaces methionine 268 with valine.
Molecular consequence: missense variant.
Genome position (GRCh38, 1-based): chr19:10,783,073, A>G. VCF-style: chr19-10783073-A-G. GRCh37 (hg19) VCF-style: chr19-10893749-A-G.
Other names: c.802A>G, p.Met268Val (NM_001005360.3, NM_001005362.3, NM_001190716.2 and 1 more transcripts); short protein forms M268V.
Identifiers: ClinVar variation 1761724 (VCV001761724.7), dbSNP rs1161013161, ClinGen allele CA404045330.